The following is an entry in ClinVar:

ClinVar aggregate classification (germline): Uncertain significance (1 of 4 stars; one submission).

Conditions:
Peutz-Jeghers syndrome (PJS). Also called: POLYPOSIS, HAMARTOMATOUS INTESTINAL; POLYPS-AND-SPOTS SYNDROME; Peutz-Jeghers polyposis; Periorificial lentiginosis syndrome. Identifiers: Orphanet 2869, MedGen C0031269, MeSH D010580, MONDO:0008280, OMIM 175200.

Submission:

Labcorp Genetics (formerly Invitae), Labcorp
Classification: Uncertain significance for Peutz-Jeghers syndrome. Last evaluated: 2023-07-27. Review status: criteria provided, single submitter. Criteria: Invitae Variant Classification Sherloc (09022015). Collection method: clinical testing. Allele origin: germline.
Comment: This sequence change replaces isoleucine, which is neutral and non-polar, with methionine, which is neutral and non-polar, at codon 46 of the STK11 protein (p.Ile46Met). This variant is not present in population databases (gnomAD no frequency). This variant has not been reported in the literature in individuals affected with STK11-related conditions. ClinVar contains an entry for this variant (Variation ID: 845232). Advanced modeling of protein sequence and biophysical properties (such as structural, functional, and spatial information, amino acid conservation, physicochemical variation, residue mobility, and thermodynamic stability) performed at Invitae indicates that this missense variant is expected to disrupt STK11 protein function. In summary, the available evidence is currently insufficient to determine the role of this variant in disease. Therefore, it has been classified as a Variant of Uncertain Significance.

NM_000455.5(STK11):c.138C>G (p.Ile46Met)

Gene: STK11 (serine/threonine kinase 11; plus strand). Cytogenetic location: 19p13.3.
Variant type: single nucleotide variant.
Coding change: c.138C>G on transcript NM_000455.5 (MANE Select); coding-DNA position 138, C replaced by G.
Protein change: p.Ile46Met; replaces isoleucine 46 with methionine.
Molecular consequence: missense variant.
Genome position (GRCh38, 1-based): chr19:1,207,051, C>G. VCF-style: chr19-1207051-C-G. GRCh37 (hg19) VCF-style: chr19-1207050-C-G.
Other names: short protein forms I46M.
Identifiers: ClinVar variation 845232 (VCV000845232.9), dbSNP rs2080671593, ClinGen allele CA402944030.